The following is an entry in ClinVar:

ClinVar aggregate classification (germline): Uncertain significance (1 of 4 stars; one submission).

Submission:

Labcorp Genetics (formerly Invitae), Labcorp
Classification: Uncertain significance. Last evaluated: 2026-01-07. Review status: criteria provided, single submitter. Criteria: Invitae Variant Classification Sherloc (09022015). Collection method: clinical testing. Allele origin: germline.
Comment: This sequence change replaces serine, which is neutral and polar, with arginine, which is basic and polar, at codon 829 of the SON protein (p.Ser829Arg). This variant is not present in population databases (gnomAD no frequency). This variant has not been reported in the literature in individuals affected with SON-related conditions. An algorithm developed to predict the effect of missense changes on protein structure and function (PolyPhen-2) suggests that this variant is likely to be disruptive. In summary, the available evidence is currently insufficient to determine the role of this variant in disease. Therefore, it has been classified as a Variant of Uncertain Significance.

NM_138927.4(SON):c.2487C>G (p.Ser829Arg)

Gene: SON (SON DNA and RNA binding protein; plus strand). Cytogenetic location: 21q22.11.
Variant type: single nucleotide variant.
Coding change: c.2487C>G on transcript NM_138927.4 (MANE Select); coding-DNA position 2487, C replaced by G.
Protein change: p.Ser829Arg; replaces serine 829 with arginine.
Molecular consequence: missense variant. On other transcripts: non-coding transcript variant (1), intron variant (1).
Genome position (GRCh38, 1-based): chr21:33,551,718, C>G. VCF-style: chr21-33551718-C-G. GRCh37 (hg19) VCF-style: chr21-34924024-C-G.
Other names: c.2487C>G, p.Ser829Arg (NM_001291411.2, NM_032195.3); c.244+5339C>G (NM_001291412.3); short protein forms S829R.
Identifiers: ClinVar variation 4734738 (VCV004734738.1).
Genomic context (GRCh38, chr21:33,551,718, plus strand): 5'-CTCCATGGACTCCCAGATGTTAGCAACCAGCTCCATGGACTCCCAGATGTTAGCAACCAG[C>G]TCCATGGACTCCCAGATGTTAGCAACCAGCACCATGGATTCTCAGATGTTAGCAACCAGC-3'
Protein context (NP_620305.3, residues 819-839): SSMDSQMLAT[Ser829Arg]SMDSQMLATS